The following is an entry in ClinVar:

ClinVar aggregate classification (germline): Uncertain significance (1 of 4 stars; one submission).

Conditions:
Hypokalemic periodic paralysis, type 1. Also called: HypoPP; Hypokalemic Periodic Paralysis Type 1 (AD). Identifiers: Orphanet 681, MedGen C3714580, MONDO:0042979, OMIM 170400.
Malignant hyperthermia, susceptibility to, 5 (MHS5). Also called: CACNA1S-Related Malignant Hyperthermia Susceptibility. Identifiers: Orphanet 423, MedGen C1866077, MONDO:0011163, OMIM 601887.

Submission:

Labcorp Genetics (formerly Invitae), Labcorp
Classification: Uncertain significance for Hypokalemic periodic paralysis, type 1; Malignant hyperthermia, susceptibility to, 5. Last evaluated: 2023-11-12. Review status: criteria provided, single submitter. Criteria: Invitae Variant Classification Sherloc (09022015). Collection method: clinical testing. Allele origin: germline.
Comment: This sequence change replaces glutamine, which is neutral and polar, with histidine, which is basic and polar, at codon 1085 of the CACNA1S protein (p.Gln1085His). This variant also falls at the last nucleotide of exon 25, which is part of the consensus splice site for this exon. This variant is not present in population databases (gnomAD no frequency). This variant has not been reported in the literature in individuals affected with CACNA1S-related conditions. An algorithm developed to predict the effect of missense changes on protein structure and function (PolyPhen-2) suggests that this variant is likely to be disruptive. Variants that disrupt the consensus splice site are a relatively common cause of aberrant splicing (PMID: 17576681, 9536098). Algorithms developed to predict the effect of sequence changes on RNA splicing suggest that this variant may disrupt the consensus splice site. In summary, the available evidence is currently insufficient to determine the role of this variant in disease. Therefore, it has been classified as a Variant of Uncertain Significance.

Literature cited by the submitters: PubMed 17576681; PubMed 9536098.

NM_000069.3(CACNA1S):c.3255G>T (p.Gln1085His)

Gene: CACNA1S (calcium voltage-gated channel subunit alpha1 S; minus strand). Cytogenetic location: 1q32.1.
Variant type: single nucleotide variant.
Coding change: c.3255G>T on transcript NM_000069.3 (MANE Select); coding-DNA position 3255, G replaced by T.
Protein change: p.Gln1085His; replaces glutamine 1085 with histidine.
Molecular consequence: missense variant.
Genome position (GRCh38, 1-based): chr1:201,061,267, C>A on the plus strand (G>T on the coding strand, the complement: CACNA1S is on the minus strand). VCF-style: chr1-201061267-C-A. GRCh37 (hg19) VCF-style: chr1-201030395-C-A.
Other names: short protein forms Q1085H.
Identifiers: ClinVar variation 2948982 (VCV002948982.3), dbSNP rs770667645, ClinGen allele CA344161408.